The following is an entry in ClinVar:

NM_001364905.1(LRBA):c.1664T>G (p.Leu555Arg)

Gene: LRBA (LPS responsive beige-like anchor protein; minus strand). Cytogenetic location: 4q31.3.
Variant type: single nucleotide variant.
Coding change: c.1664T>G on transcript NM_001364905.1 (MANE Select); coding-DNA position 1664, T replaced by G.
Protein change: p.Leu555Arg; replaces leucine 555 with arginine.
Molecular consequence: missense variant.
Genome position (GRCh38, 1-based): chr4:150,905,929, A>C on the plus strand (T>G on the coding strand, the complement: LRBA is on the minus strand). VCF-style: chr4-150905929-A-C. GRCh37 (hg19) VCF-style: chr4-151827081-A-C.
Other names: c.1664T>G, p.Leu555Arg (NM_001199282.3, NM_001367550.1, NM_006726.5); short protein forms L555R.
Identifiers: ClinVar variation 2092316 (VCV002092316.4), dbSNP rs2546639443, ClinGen allele CA358431527.
Genomic context (GRCh38, chr4:150,905,929, plus strand): 5'-TTAAGAAGAACGTGATCACACAATTGCTTGAGCAGGGGCATCCCATTCTGCAGATTACTC[A>C]GATATTTTGAAAATGCAAGGCAAAGTTCAAGTACTGCTCTGCTAACATGAGATTTGGAAG-3'
Protein context (NP_001351834.1, residues 545-565): LELCLAFSKY[Leu555Arg]SNLQNGMPLL

ClinVar aggregate classification (germline): Uncertain significance (1 of 4 stars; one submission).

Conditions:
Combined immunodeficiency due to LRBA deficiency. Also called: Common variable immunodeficiency 8, with autoimmunity. Identifiers: Orphanet 445018, MedGen C3553512, MONDO:0013863, OMIM 614700.

Submission:

Labcorp Genetics (formerly Invitae), Labcorp
Classification: Uncertain significance for Combined immunodeficiency due to LRBA deficiency. Last evaluated: 2022-07-12. Review status: criteria provided, single submitter. Criteria: Invitae Variant Classification Sherloc (09022015). Collection method: clinical testing. Allele origin: germline.
Comment: This variant is not present in population databases (gnomAD no frequency). This variant has not been reported in the literature in individuals affected with LRBA-related conditions. Algorithms developed to predict the effect of missense changes on protein structure and function are either unavailable or do not agree on the potential impact of this missense change (SIFT: "Tolerated"; PolyPhen-2: "Probably Damaging"; Align-GVGD: "Class C0"). In summary, the available evidence is currently insufficient to determine the role of this variant in disease. Therefore, it has been classified as a Variant of Uncertain Significance. This sequence change replaces leucine, which is neutral and non-polar, with arginine, which is basic and polar, at codon 555 of the LRBA protein (p.Leu555Arg).